The following is an entry in ClinVar:

ClinVar aggregate classification (germline): Uncertain significance (1 of 4 stars; one submission).

Allele frequency attached by ClinVar (database versions not stated): TOPMed below 0.00001; gnomAD 0.00001.

Submission:

Labcorp Genetics (formerly Invitae), Labcorp
Classification: Uncertain significance. Last evaluated: 2021-01-12. Review status: criteria provided, single submitter. Criteria: Invitae Variant Classification Sherloc (09022015). Collection method: clinical testing. Allele origin: germline.
Comment: In summary, the available evidence is currently insufficient to determine the role of this variant in disease. Therefore, it has been classified as a Variant of Uncertain Significance. Algorithms developed to predict the effect of missense changes on protein structure and function (SIFT, PolyPhen-2, Align-GVGD) all suggest that this variant is likely to be tolerated, but these predictions have not been confirmed by published functional studies and their clinical significance is uncertain. This variant has not been reported in the literature in individuals with HMX1-related conditions. The frequency data for this variant in the population databases is considered unreliable, as metrics indicate insufficient coverage at this position in the ExAC database. This sequence change replaces alanine with valine at codon 276 of the HMX1 protein (p.Ala276Val). The alanine residue is moderately conserved and there is a small physicochemical difference between alanine and valine.

NM_018942.3(HMX1):c.827C>T (p.Ala276Val)

Gene: HMX1 (H6 family homeobox 1; minus strand). Cytogenetic location: 4p16.1.
Variant type: single nucleotide variant.
Coding change: c.827C>T on transcript NM_018942.3 (MANE Select); coding-DNA position 827, C replaced by T.
Protein change: p.Ala276Val; replaces alanine 276 with valine.
Molecular consequence: missense variant. On other transcripts: intron variant (1).
Genome position (GRCh38, 1-based): chr4:8,867,913, G>A on the plus strand (C>T on the coding strand, the complement: HMX1 is on the minus strand). VCF-style: chr4-8867913-G-A. GRCh37 (hg19) VCF-style: chr4-8869639-G-A.
Other names: c.394+3308C>T (NM_001306142.2); short protein forms A276V.
Identifiers: ClinVar variation 1038796 (VCV001038796.8), dbSNP rs1176506002, ClinGen allele CA356277735.